The following is an entry in ClinVar:

NM_000094.4(COL7A1):c.8536C>A (p.Pro2846Thr)

Gene: COL7A1 (collagen type VII alpha 1 chain; minus strand). Cytogenetic location: 3p21.31.
Variant type: single nucleotide variant.
Coding change: c.8536C>A on transcript NM_000094.4 (MANE Select); coding-DNA position 8536, C replaced by A.
Protein change: p.Pro2846Thr; replaces proline 2846 with threonine.
Molecular consequence: missense variant.
Genome position (GRCh38, 1-based): chr3:48,565,193, G>T on the plus strand (C>A on the coding strand, the complement: COL7A1 is on the minus strand). VCF-style: chr3-48565193-G-T. GRCh37 (hg19) VCF-style: chr3-48602626-G-T.
Other names: short protein forms P2846T.
Identifiers: ClinVar variation 2890351 (VCV002890351.3), dbSNP rs750604521, ClinGen allele CA352634392.
Genomic context (GRCh38, chr3:48,565,193, plus strand): 5'-GGTCCTGGTACTCCTCCACAGAATACTCGGAGTATTCAGAGTACTCATCATCCTCAGGGG[G>T]TACCCGCTCTGCAGGTAGGGCAGGGTGTGCTGGGAGCAGTGGCTGCTGGCCCCGGGGCAA-3'
Protein context (NP_000085.1, residues 2836-2856): VSHAEEEERV[Pro2846Thr]PEDDEYSEYS

ClinVar aggregate classification (germline): Uncertain significance (1 of 4 stars; one submission).

gnomAD v4.1: 9 of 1,613,594 alleles (0.00056%); highest among the groups gnomAD compares: East Asian, 0.0089%; no homozygotes.

Submission:

Labcorp Genetics (formerly Invitae), Labcorp
Classification: Uncertain significance. Last evaluated: 2025-06-23. Review status: criteria provided, single submitter. Criteria: Invitae Variant Classification Sherloc (09022015). Collection method: clinical testing. Allele origin: germline.
Comment: This sequence change replaces proline, which is neutral and non-polar, with threonine, which is neutral and polar, at codon 2846 of the COL7A1 protein (p.Pro2846Thr). This variant is not present in population databases (gnomAD no frequency). This variant has not been reported in the literature in individuals affected with COL7A1-related conditions. ClinVar contains an entry for this variant (Variation ID: 2890351). Invitae Evidence Modeling of protein sequence and biophysical properties (such as structural, functional, and spatial information, amino acid conservation, physicochemical variation, residue mobility, and thermodynamic stability) indicates that this missense variant is not expected to disrupt COL7A1 protein function with a negative predictive value of 95%. In summary, the available evidence is currently insufficient to determine the role of this variant in disease. Therefore, it has been classified as a Variant of Uncertain Significance.